The following is an entry in ClinVar:

NM_182925.5(FLT4):c.507G>T (p.Leu169=)

Gene: FLT4 (fms related receptor tyrosine kinase 4; minus strand). Cytogenetic location: 5q35.3.
Variant type: single nucleotide variant.
Coding change: c.507G>T on transcript NM_182925.5 (MANE Select); coding-DNA position 507, G replaced by T.
Protein change: p.Leu169=; no amino-acid change (leucine 169 retained).
Molecular consequence: synonymous variant.
Genome position (GRCh38, 1-based): chr5:180,630,231, C>A on the plus strand (G>T on the coding strand, the complement: FLT4 is on the minus strand). VCF-style: chr5-180630231-C-A. GRCh37 (hg19) VCF-style: chr5-180057231-C-A.
Other names: c.507G>T, p.Leu169= (NM_001354989.2, NM_002020.5).
Identifiers: ClinVar variation 263064 (VCV000263064.6), dbSNP rs3736061, ClinGen allele CA3607093.

ClinVar aggregate classification (germline): Benign. Review status: criteria provided, multiple submitters, no conflicts (2 of 4 stars). 3 submissions from 3 submitters: Benign (3). Last evaluated 2018-11-12.

Allele frequency attached by ClinVar (database versions not stated): TOPMed 0.05616; 1000 Genomes Project 30x 0.05793; 1000 Genomes Project 0.05931; ESP Exome Variant Server 0.06132; gnomAD 0.06624 and 0.06742; ExAC 0.07460; gnomAD exomes 0.07660 and 0.08039.

Submissions (3):

GeneDx
Classification: Benign. Last evaluated: 2018-11-12. Review status: criteria provided, single submitter. Criteria: GeneDx Variant Classification Process June 2021. Collection method: clinical testing. Allele origin: germline. Affected: yes.

Laboratory for Molecular Medicine, Mass General Brigham Personalized Medicine
Classification: Benign. Last evaluated: 2016-03-29. Review status: criteria provided, single submitter. Criteria: LMM Criteria. Collection method: clinical testing. Allele origin: germline.
Comment: Variant identified in a genome or exome case(s) and assessed due to predicted null impact of the variant or pathogenic assertions in the literature or databases. Disclaimer: This variant has not undergone full assessment. The following are preliminary notes: 7% of total chromosomes in ExAC

PreventionGenetics, part of Exact Sciences
Classification: Benign. Review status: criteria provided, single submitter. Criteria: ACMG Guidelines, 2015. Collection method: clinical testing. Allele origin: germline.